The following is an entry in ClinVar:

ClinVar aggregate classification (germline): Uncertain significance (1 of 4 stars; one submission).

Submission:

Labcorp Genetics (formerly Invitae), Labcorp
Classification: Uncertain significance. Last evaluated: 2024-07-24. Review status: criteria provided, single submitter. Criteria: Invitae Variant Classification Sherloc (09022015). Collection method: clinical testing. Allele origin: germline.
Comment: This sequence change replaces leucine, which is neutral and non-polar, with phenylalanine, which is neutral and non-polar, at codon 15 of the DLL1 protein (p.Leu15Phe). This variant is not present in population databases (gnomAD no frequency). This variant has not been reported in the literature in individuals affected with DLL1-related conditions. An algorithm developed to predict the effect of missense changes on protein structure and function (PolyPhen-2) suggests that this variant is likely to be tolerated. In summary, the available evidence is currently insufficient to determine the role of this variant in disease. Therefore, it has been classified as a Variant of Uncertain Significance.

NM_005618.4(DLL1):c.45G>C (p.Leu15Phe)

Gene: DLL1 (delta like canonical Notch ligand 1; minus strand). Cytogenetic location: 6q27.
Variant type: single nucleotide variant.
Coding change: c.45G>C on transcript NM_005618.4 (MANE Select); coding-DNA position 45, G replaced by C.
Protein change: p.Leu15Phe; replaces leucine 15 with phenylalanine.
Molecular consequence: missense variant.
Genome position (GRCh38, 1-based): chr6:170,290,095, C>G on the plus strand (G>C on the coding strand, the complement: DLL1 is on the minus strand). VCF-style: chr6-170290095-C-G. GRCh37 (hg19) VCF-style: chr6-170599183-C-G.
Other names: short protein forms L15F.
Identifiers: ClinVar variation 3660480 (VCV003660480.2).
Genomic context (GRCh38, chr6:170,290,095, plus strand): 5'-GGCTACCCGTGAGACCCCGCGGGGCCGCGGCGCCCCCACCTGCCCGCCTACCTGACACAG[C>G]AAGGCCGAGAGCACCGCCAGGGCCAGCGCGCACCGACTGCCCATGCTGCTTCGCTCCACG-3'
Protein context (NP_005609.3, residues 5-25): CALALAVLSA[Leu15Phe]LCQVWSSGVF